The following is an entry in ClinVar:

ClinVar aggregate classification (germline): Likely pathogenic (1 of 4 stars; one submission).

Conditions:
LAMA2-related muscular dystrophy (LAMA2-RD). Also called: Laminin alpha 2-related dystrophy. Identifiers: MedGen C5679788, MONDO:0100228.

Submission:

Labcorp Genetics (formerly Invitae), Labcorp
Classification: Likely pathogenic for Laminin alpha 2-related dystrophy. Last evaluated: 2019-11-27. Review status: criteria provided, single submitter. Criteria: Invitae Variant Classification Sherloc (09022015). Collection method: clinical testing. Allele origin: germline.
Comment: This variant results in a copy number gain of the genomic region encompassing exons 32-33 of the LAMA2 gene. While the exact position of this variant cannot be determined from this data, sub-genic copy number gains are generally in tandem (PMID: 25640679) and may result in an absent or disrupted protein product. This variant has not been reported in the literature in individuals with LAMA2-related conditions. Loss-of-function variants in LAMA2 are known to be pathogenic (PMID: 18700894). In summary, the currently available evidence indicates that the variant is pathogenic, but additional data are needed to prove that conclusively. Therefore, this variant has been classified as Likely Pathogenic.

NC_000006.12:g.(?_129353154)_(129366371_?)dup

Gene: LAMA2 (laminin subunit alpha 2; plus strand). Cytogenetic location: 6q22.33.
Variant type: Duplication.
Identifiers: ClinVar variation 831316 (VCV000831316.1).